The following is an entry in ClinVar:

ClinVar aggregate classification (germline): Uncertain significance (1 of 4 stars; one submission).

Allele frequency attached by ClinVar (database versions not stated): 1000 Genomes Project 30x 0.00016; gnomAD 0.00003; gnomAD exomes 0.00012; 1000 Genomes Project 0.00020.
gnomAD v4.1: 61 of 1,614,096 alleles (0.0038%); highest among the groups gnomAD compares: South Asian, 0.035%; no homozygotes.

Submission:

Labcorp Genetics (formerly Invitae), Labcorp
Classification: Uncertain significance. Last evaluated: 2023-08-04. Review status: criteria provided, single submitter. Criteria: Invitae Variant Classification Sherloc (09022015). Collection method: clinical testing. Allele origin: germline.
Comment: In summary, the available evidence is currently insufficient to determine the role of this variant in disease. Therefore, it has been classified as a Variant of Uncertain Significance. Algorithms developed to predict the effect of missense changes on protein structure and function output the following: SIFT: "Not Available"; PolyPhen-2: "Benign"; Align-GVGD: "Not Available". The tryptophan amino acid residue is found in multiple mammalian species, which suggests that this missense change does not adversely affect protein function. ClinVar contains an entry for this variant (Variation ID: 444001). This missense change has been observed in individual(s) with epilepsy (PMID: 31069529). This variant is present in population databases (rs538652140, gnomAD 0.04%). This sequence change replaces arginine, which is basic and polar, with tryptophan, which is neutral and slightly polar, at codon 1047 of the TUBGCP6 protein (p.Arg1047Trp).

Literature cited by the submitters: PubMed 31069529.

NM_020461.4(TUBGCP6):c.3139C>T (p.Arg1047Trp)

Gene: TUBGCP6 (tubulin gamma complex component 6; minus strand). Cytogenetic location: 22q13.33.
Variant type: single nucleotide variant.
Coding change: c.3139C>T on transcript NM_020461.4 (MANE Select); coding-DNA position 3139, C replaced by T.
Protein change: p.Arg1047Trp; replaces arginine 1047 with tryptophan.
Molecular consequence: missense variant.
Genome position (GRCh38, 1-based): chr22:50,221,220, G>A on the plus strand (C>T on the coding strand, the complement: TUBGCP6 is on the minus strand). VCF-style: chr22-50221220-G-A. GRCh37 (hg19) VCF-style: chr22-50659649-G-A.
Other names: short protein forms R1047W.
Identifiers: ClinVar variation 444001 (VCV000444001.7), dbSNP rs538652140, ClinGen allele CA10308045.